The following is an entry in ClinVar:

NM_017763.6(RNF43):c.612A>G (p.Thr204=)

Gene: RNF43 (ring finger protein 43; minus strand). Cytogenetic location: 17q22.
Variant type: single nucleotide variant.
Coding change: c.612A>G on transcript NM_017763.6 (MANE Select); coding-DNA position 612, A replaced by G.
Protein change: p.Thr204=; no amino-acid change (threonine 204 retained).
Molecular consequence: synonymous variant.
Genome position (GRCh38, 1-based): chr17:58,362,619, T>C on the plus strand (A>G on the coding strand, the complement: RNF43 is on the minus strand). VCF-style: chr17-58362619-T-C. GRCh37 (hg19) VCF-style: chr17-56439980-T-C.
Other names: c.612A>G, p.Thr204= (NM_001305544.3, NM_001438820.1, NM_001438821.1 and 1 more transcripts); c.231A>G, p.Thr77= (NM_001305545.2, NM_001437987.1).
Identifiers: ClinVar variation 4875770 (VCV004875770.1).

ClinVar aggregate classification (germline): Benign (1 of 4 stars; one submission).

Conditions:
Sessile serrated polyposis cancer syndrome (SSPCS). Identifiers: Orphanet 157798, MedGen C4310714, MONDO:0014919, OMIM 617108.

Submission:

Myriad Genetics, Inc.
Classification: Benign for Sessile serrated polyposis cancer syndrome. Last evaluated: 2026-06-30. Review status: criteria provided, single submitter. Criteria: Myriad Autosomal Dominant, Autosomal Recessive and X-Linked Classification Criteria (2023). Collection method: clinical testing. Allele origin: unknown.
Comment: This variant is considered benign. This variant is a silent/synonymous amino acid change and it is not expected to impact splicing.